The following is an entry in ClinVar:

NM_000368.5(TSC1):c.1997+2T>G

Gene: TSC1 (TSC complex subunit 1; minus strand). Cytogenetic location: 9q34.13.
Variant type: single nucleotide variant.
Coding change: c.1997+2T>G on transcript NM_000368.5 (MANE Select); the canonical splice donor site of the intron after coding-DNA position 1997, T replaced by G.
Molecular consequence: splice donor variant.
Genome position (GRCh38, 1-based): chr9:132,905,579, A>C on the plus strand (T>G on the coding strand, the complement: TSC1 is on the minus strand). VCF-style: chr9-132905579-A-C. GRCh37 (hg19) VCF-style: chr9-135780966-A-C.
Other names: c.1631+2T>G (NM_001406620.1, NM_001406625.1, NM_001406621.1 and 2 more transcripts); c.1634+2T>G (NM_001406618.1, NM_001406617.1, NM_001406619.1 and 5 more transcripts); c.1841+2T>G (NM_001406613.1, NM_001406612.1, NM_001406611.1); c.1844+2T>G (NM_001406610.1, NM_001162427.2); c.1043+2T>G (NM_001406627.1, NM_001406628.1); c.944+2T>G (NM_001406629.1, NM_001406630.1); c.1994+2T>G (NM_001406603.1, NM_001406609.1, NM_001406597.1 and 6 more transcripts); c.1997+2T>G (NM_001406602.1, NM_001406606.1, NM_001406592.1 and 7 more transcripts); and 1 more.
Identifiers: ClinVar variation 1066806 (VCV001066806.10), dbSNP rs2131806725, ClinGen allele CA375362199.

ClinVar aggregate classification (germline): Pathogenic/Likely pathogenic. Review status: criteria provided, multiple submitters, no conflicts (2 of 4 stars). 2 submissions from 2 submitters: Pathogenic (1); Likely pathogenic (1). Last evaluated 2026-02-09.

Conditions:
Tuberous sclerosis 1 (TSC1). Identifiers: Orphanet 805, MedGen C1854465, MONDO:0008612, OMIM 191100.
Hereditary cancer-predisposing syndrome. Also called: Hereditary Cancer Syndrome; Neoplastic Syndromes, Hereditary; Tumor predisposition; Hereditary neoplastic syndrome. Identifiers: Orphanet 140162, MedGen C0027672, MeSH D009386, MONDO:0015356.

Allele frequency attached by ClinVar (database versions not stated): gnomAD exomes below 0.00001.
gnomAD v4.1: 1 of 1,613,942 alleles (0.000062%); highest among the groups gnomAD compares: South Asian, 0.0011%; no homozygotes.

Submissions (2):

Ambry Genetics
Classification: Likely pathogenic for Hereditary cancer-predisposing syndrome. Last evaluated: 2026-02-09. Review status: criteria provided, single submitter. Criteria: Ambry Variant Classification Scheme 2023. Collection method: clinical testing. Allele origin: germline.
Comment: The c.1997+2T>G intronic variant results from a T to G substitution two nucleotides after coding exon 13 in the TSC1 gene. This variant is considered to be rare based on population cohorts in the Genome Aggregation Database (gnomAD). This nucleotide position is highly conserved in available vertebrate species. In silico splice site analysis predicts that this alteration will weaken the native splice donor site. Alterations that disrupt the canonical splice site are expected to cause aberrant splicing, resulting in an abnormal protein or a transcript that is subject to nonsense-mediated mRNA decay. As such, this alteration is classified as likely pathogenic.

Labcorp Genetics (formerly Invitae), Labcorp
Classification: Pathogenic for Tuberous sclerosis 1. Last evaluated: 2025-11-23. Review status: criteria provided, single submitter. Criteria: Invitae Variant Classification Sherloc (09022015). Collection method: clinical testing. Allele origin: germline.
Comment: This sequence change affects a donor splice site in intron 15 of the TSC1 gene. It is expected to disrupt RNA splicing. Variants that disrupt the donor or acceptor splice site typically lead to a loss of protein function (PMID: 16199547), and loss-of-function variants in TSC1 are known to be pathogenic (PMID: 10227394, 17304050). This variant is not present in population databases (gnomAD no frequency). Disruption of this splice site has been observed in individual(s) with clinical features of tuberous sclerosis complex (PMID: 20633017, 28288225, 29655203). ClinVar contains an entry for this variant (Variation ID: 1066806). Algorithms developed to predict the effect of sequence changes on RNA splicing suggest that this variant may disrupt the consensus splice site. For these reasons, this variant has been classified as Pathogenic.

Literature cited by the submitters: PubMed 16199547 (cited by Labcorp Genetics (formerly Invitae), Labcorp); PubMed 10227394 (cited by Labcorp Genetics (formerly Invitae), Labcorp); PubMed 17304050 (cited by Labcorp Genetics (formerly Invitae), Labcorp); PubMed 20633017 (cited by Labcorp Genetics (formerly Invitae), Labcorp); PubMed 28288225 (cited by Labcorp Genetics (formerly Invitae), Labcorp); PubMed 29655203 (cited by Labcorp Genetics (formerly Invitae), Labcorp).